The following is an entry in ClinVar:

NM_173648.4(CCDC141):c.3526C>T (p.Arg1176Ter)

Gene: CCDC141 (coiled-coil domain containing 141; minus strand). Cytogenetic location: 2q31.2.
Variant type: single nucleotide variant.
Coding change: c.3526C>T on transcript NM_173648.4 (MANE Select); coding-DNA position 3526, C replaced by T.
Protein change: p.Arg1176Ter; replaces arginine 1176 with a stop codon.
Molecular consequence: nonsense.
Genome position (GRCh38, 1-based): chr2:178,837,693, G>A on the plus strand (C>T on the coding strand, the complement: CCDC141 is on the minus strand). VCF-style: chr2-178837693-G-A. GRCh37 (hg19) VCF-style: chr2-179702420-G-A.
Other names: short protein forms R1176*.
Identifiers: ClinVar variation 2713764 (VCV002713764.3), dbSNP rs143765782, ClinGen allele CA2006673.

ClinVar aggregate classification (germline): Uncertain significance (1 of 4 stars; one submission).

Allele frequency attached by ClinVar (database versions not stated): ExAC 0.00018; gnomAD exomes 0.00028; gnomAD 0.00030; ESP Exome Variant Server 0.00031; TOPMed 0.00034.
gnomAD v4.1: 444 of 1,613,716 alleles (0.028%); highest among the groups gnomAD compares: African/African-American, 0.033%; no homozygotes.

Submission:

Labcorp Genetics (formerly Invitae), Labcorp
Classification: Uncertain significance. Last evaluated: 2025-06-13. Review status: criteria provided, single submitter. Criteria: Invitae Variant Classification Sherloc (09022015). Collection method: clinical testing. Allele origin: germline.
Comment: This sequence change creates a premature translational stop signal (p.Arg1176*) in the CCDC141 gene. It is expected to result in an absent or disrupted protein product. However, the current clinical and genetic evidence is not sufficient to establish whether loss-of-function variants in CCDC141 cause disease. This variant is present in population databases (rs143765782, gnomAD 0.03%). This variant has not been reported in the literature in individuals affected with CCDC141-related conditions. ClinVar contains an entry for this variant (Variation ID: 2713764). In summary, the available evidence is currently insufficient to determine the role of this variant in disease. Therefore, it has been classified as a Variant of Uncertain Significance.